The following is an entry in ClinVar:

NM_001098816.3(TENM4):c.2271G>A (p.Gln757=)

Gene: TENM4 (teneurin transmembrane protein 4; minus strand). Cytogenetic location: 11q14.1.
Variant type: single nucleotide variant.
Coding change: c.2271G>A on transcript NM_001098816.3 (MANE Select); coding-DNA position 2271, G replaced by A.
Protein change: p.Gln757=; no amino-acid change (glutamine 757 retained).
Molecular consequence: synonymous variant.
Genome position (GRCh38, 1-based): chr11:78,786,992, C>T on the plus strand (G>A on the coding strand, the complement: TENM4 is on the minus strand). VCF-style: chr11-78786992-C-T. GRCh37 (hg19) VCF-style: chr11-78498037-C-T.
Identifiers: ClinVar variation 2642224 (VCV002642224.25), dbSNP rs372735943, ClinGen allele CA6207345.
Genomic context (GRCh38, chr11:78,786,992, plus strand): 5'-GCACTCGCACTTGCCGTCGCGGCAGGTCCCATGCTCGGCACAGCGCGGGTGGCAGGCCCG[C>T]TGGTCGCAGGCTGCCCCCATCCAGCCATCCTCGCAGCGGCAGGTGCCCCCTACGCACACG-3'
Protein context (NP_001092286.2, residues 747-767): EDGWMGAACD[Gln757=]RACHPRCAEH

ClinVar aggregate classification (germline): Likely benign. Review status: criteria provided, multiple submitters, no conflicts (2 of 4 stars). 2 submissions from 2 submitters: Likely benign (2). Last evaluated 2024-08-20.

Allele frequency attached by ClinVar (database versions not stated): TOPMed 0.00009; ESP Exome Variant Server 0.00032; gnomAD 0.00036; ExAC 0.00038.
gnomAD v4.1: 414 of 1,576,098 alleles (0.026%); highest among the groups gnomAD compares: Non-Finnish European, 0.021%; no homozygotes.

Submissions (2):

Blueprint Genetics
Classification: Likely benign. Last evaluated: 2024-08-20. Review status: criteria provided, single submitter. Criteria: ACMG Guidelines, 2015. Collection method: clinical testing. Allele origin: germline.

CeGaT Center for Human Genetics Tuebingen
Classification: Likely benign. Last evaluated: 2022-12-01. Review status: criteria provided, single submitter. Criteria: CeGaT Center For Human Genetics Tuebingen Variant Classification Criteria Version 2. Collection method: clinical testing. Allele origin: germline. Affected: yes. Observed: 1 variant allele.
Comment: TENM4: BP4, BP7